The following is an entry in ClinVar:

NM_020975.6(RET):c.1854C>T (p.Cys618=)

Gene: RET (ret proto-oncogene; plus strand). Cytogenetic location: 10q11.21.
Variant type: single nucleotide variant.
Coding change: c.1854C>T on transcript NM_020975.6 (MANE Select); coding-DNA position 1854, C replaced by T.
Protein change: p.Cys618=; no amino-acid change (cysteine 618 retained).
Molecular consequence: synonymous variant. On other transcripts: intron variant (2).
Genome position (GRCh38, 1-based): chr10:43,113,650, C>T. VCF-style: chr10-43113650-C-T. GRCh37 (hg19) VCF-style: chr10-43609098-C-T.
Other names: c.1092C>T, p.Cys364= (NM_001355216.2); c.1854C>T, p.Cys618= (NM_001406743.1, NM_001406744.1, NM_001406759.1 and 4 more transcripts); c.1725C>T, p.Cys575= (NM_001406761.1, NM_001406762.1, NM_001406764.1 and 1 more transcripts); c.1566C>T, p.Cys522= (NM_001406766.1, NM_001406767.1, NM_001406770.1); c.1458C>T, p.Cys486= (NM_001406769.1, NM_001406772.1); c.1416C>T, p.Cys472= (NM_001406771.1, NM_001406773.1); c.1329C>T, p.Cys443= (NM_001406774.1); c.1128C>T, p.Cys376= (NM_001406775.1, NM_001406776.1, NM_001406777.1 and 1 more transcripts); and 7 more.
Identifiers: ClinVar variation 3788338 (VCV003788338.2).

ClinVar aggregate classification (germline): Benign/Likely benign. Review status: criteria provided, multiple submitters, no conflicts (2 of 4 stars). 2 submissions from 2 submitters: Benign (1); Likely benign (1). Last evaluated 2025-02-26.

Conditions:
Multiple endocrine neoplasia type 2A. Also called: MULTIPLE ENDOCRINE NEOPLASIA, TYPE IIA; PTC SYNDROME; SIPPLE SYNDROME; MEN 2A; MEN-2A syndrome; Pheochromocytoma and amyloid producing medullary thyroid carcinoma. Identifiers: Orphanet 247698, Orphanet 653, MedGen C0025268, MeSH D018813, MONDO:0008234, OMIM 171400.
Hereditary cancer-predisposing syndrome. Also called: Neoplastic Syndromes, Hereditary; Hereditary Cancer Syndrome; Tumor predisposition; Hereditary neoplastic syndrome. Identifiers: Orphanet 140162, MedGen C0027672, MeSH D009386, MONDO:0015356.

gnomAD v4.1: 1 of 1,613,268 alleles (0.000062%); highest among the groups gnomAD compares: Non-Finnish European, 0.000085%; no homozygotes.

Submissions (2):

Myriad Genetics, Inc.
Classification: Benign for Multiple endocrine neoplasia type 2A. Last evaluated: 2025-02-26. Review status: criteria provided, single submitter. Criteria: Myriad Autosomal Dominant, Autosomal Recessive and X-Linked Classification Criteria (2023). Collection method: clinical testing. Allele origin: unknown.
Comment: This variant is considered benign. This variant is a silent/synonymous amino acid change and it is not expected to impact splicing.

Ambry Genetics
Classification: Likely benign for Hereditary cancer-predisposing syndrome. Last evaluated: 2025-02-08. Review status: criteria provided, single submitter. Criteria: Ambry Variant Classification Scheme 2023. Collection method: clinical testing. Allele origin: germline.